The following is an entry in ClinVar:

NC_000008.10:g.(?_48839734)_(48872706_?)dup

Gene: PRKDC (protein kinase, DNA-activated, catalytic subunit; minus strand). Cytogenetic location: 8q11.21.
Variant type: Duplication.
Identifiers: ClinVar variation 1004063 (VCV001004063.5).

ClinVar aggregate classification (germline): Uncertain significance (1 of 4 stars; one submission).

Conditions:
Severe combined immunodeficiency due to DNA-PKcs deficiency. Also called: IMMUNODEFICIENCY 26 WITH NEUROLOGIC ABNORMALITIES; Immunodeficiency 26 with or without neurologic abnormalities. Identifiers: Orphanet 317425, MedGen C4014833, MONDO:0014423, OMIM 615966.

Submission:

Labcorp Genetics (formerly Invitae), Labcorp
Classification: Uncertain significance for Severe combined immunodeficiency due to DNA-PKcs deficiency. Last evaluated: 2020-01-22. Review status: criteria provided, single submitter. Criteria: Invitae Variant Classification Sherloc (09022015). Collection method: clinical testing. Allele origin: germline.
Comment: In summary, the available evidence is currently insufficient to determine the role of this variant in disease. Therefore, it has been classified as a Variant of Uncertain Significance. This variant has not been reported in the literature in individuals with PRKDC-related conditions. This variant results in a copy number gain of the genomic region encompassing exons 1-21 of the PRKDC gene, which includes the initiator codon. The 5' end of this event is unknown as it extends beyond the assayed region for this gene and therefore may encompass additional genes. The 3' boundary is likely confined to intron 21 of the PRKDC gene. As the precise location of this event is unknown, it may be in tandem or it may be located elsewhere in the genome.